The following is an entry in ClinVar:

ClinVar aggregate classification (germline): Uncertain significance (1 of 4 stars; one submission).

Conditions:
Frontotemporal dementia and/or amyotrophic lateral sclerosis 4. Also called: FTDALS4. Identifiers: Orphanet 275872, MedGen C4225325, MONDO:0014641, OMIM 616439.

Submission:

Labcorp Genetics (formerly Invitae), Labcorp
Classification: Uncertain significance for Frontotemporal dementia and/or amyotrophic lateral sclerosis 4. Last evaluated: 2024-03-13. Review status: criteria provided, single submitter. Criteria: Invitae Variant Classification Sherloc (09022015). Collection method: clinical testing. Allele origin: germline.
Comment: This sequence change replaces isoleucine, which is neutral and non-polar, with valine, which is neutral and non-polar, at codon 472 of the TBK1 protein (p.Ile472Val). This variant is not present in population databases (gnomAD no frequency). This variant has not been reported in the literature in individuals affected with TBK1-related conditions. Advanced modeling of protein sequence and biophysical properties (such as structural, functional, and spatial information, amino acid conservation, physicochemical variation, residue mobility, and thermodynamic stability) performed at Invitae indicates that this missense variant is not expected to disrupt TBK1 protein function with a negative predictive value of 95%. In summary, the available evidence is currently insufficient to determine the role of this variant in disease. Therefore, it has been classified as a Variant of Uncertain Significance.

NM_013254.4(TBK1):c.1414A>G (p.Ile472Val)

Gene: TBK1 (TANK binding kinase 1; plus strand). Cytogenetic location: 12q14.2.
Variant type: single nucleotide variant.
Coding change: c.1414A>G on transcript NM_013254.4 (MANE Select); coding-DNA position 1414, A replaced by G.
Protein change: p.Ile472Val; replaces isoleucine 472 with valine.
Molecular consequence: missense variant.
Genome position (GRCh38, 1-based): chr12:64,488,560, A>G. VCF-style: chr12-64488560-A-G. GRCh37 (hg19) VCF-style: chr12-64882340-A-G.
Other names: short protein forms I472V.
Identifiers: ClinVar variation 3673443 (VCV003673443.2).